The following is an entry in ClinVar:

ClinVar aggregate classification (germline): Benign. Review status: criteria provided, single submitter (1 of 4 stars). 3 submissions from 1 submitter: Benign (3). Last evaluated 2018-01-13.

Conditions:
Familial multiple trichoepitheliomata. Also called: Familial multiple trichoepithelioma. Identifiers: Orphanet 79493, Orphanet 867, MedGen C1275122, MONDO:0011114.
Familial cylindromatosis. Also called: Turban tumor syndrome; ANCELL-SPIEGLER CYLINDROMAS. Identifiers: Orphanet 211, Orphanet 79493, MedGen C1851526, MONDO:0007565, OMIM 132700.
Brooke-Spiegler syndrome. Also called: CYLD Cutaneous Syndrome. Identifiers: Orphanet 79493, MedGen C1857941, MONDO:0011512, OMIM 605041.

Allele frequency attached by ClinVar (database versions not stated): gnomAD 0.00017 and 0.00025; TOPMed 0.00025; gnomAD exomes 0.00055; 1000 Genomes Project 30x 0.00219; 1000 Genomes Project 0.00240.
gnomAD v4.1: 127 of 321,678 alleles (0.039%); highest among the groups gnomAD compares: East Asian, 0.6%; 1 homozygote.

Submissions (3):

Illumina Laboratory Services, Illumina
Classification: Benign for Familial cylindromatosis. Last evaluated: 2018-01-13. Review status: criteria provided, single submitter. Criteria: ICSL Variant Classification Criteria 13 December 2019. Collection method: clinical testing. Allele origin: germline.
Comment: This variant was observed in the ICSL laboratory as part of a predisposition screen in an ostensibly healthy population. It had not been previously curated by ICSL or reported in the Human Gene Mutation Database (HGMD: prior to June 1st, 2018), and was therefore a candidate for classification through an automated scoring system. Utilizing variant allele frequency, disease prevalence and penetrance estimates, and inheritance mode, an automated score was calculated to assess if this variant is too frequent to cause the disease. Based on the score and internal cut-off values, a variant classified as benign is not then subjected to further curation. The score for this variant resulted in a classification of benign for this disease.

Illumina Laboratory Services, Illumina
Classification: Benign for Brooke-Spiegler syndrome. Last evaluated: 2018-01-13. Review status: criteria provided, single submitter. Criteria: ICSL Variant Classification Criteria 13 December 2019. Collection method: clinical testing. Allele origin: germline.
Comment: the same text as in the submission from Illumina Laboratory Services, Illumina above.

Illumina Laboratory Services, Illumina
Classification: Benign for Trichoepithelioma, multiple familial, 1. Last evaluated: 2018-01-13. Review status: criteria provided, single submitter. Criteria: ICSL Variant Classification Criteria 13 December 2019. Collection method: clinical testing. Allele origin: germline.
Comment: the same text as in the submission from Illumina Laboratory Services, Illumina above.

NM_001378743.1(CYLD):c.*382T>C

Genes: CYLD (CYLD lysine 63 deubiquitinase; plus strand), CYLD-AS2 (CYLD antisense RNA 2; minus strand). Cytogenetic location: 16q12.1.
Variant type: single nucleotide variant.
Coding change: c.*382T>C on transcript NM_001378743.1 (MANE Select); 382 bases downstream of the stop codon, T replaced by C.
Molecular consequence: 3 prime UTR variant. On other transcripts: non-coding transcript variant (1).
Genome position (GRCh38, 1-based): chr16:50,796,890, T>C. VCF-style: chr16-50796890-T-C. GRCh37 (hg19) VCF-style: chr16-50830801-T-C.
Other names: c.*382T>C (NM_001042355.2, NM_001042412.3, NM_001378744.1 and 12 more transcripts).
Identifiers: ClinVar variation 319511 (VCV000319511.5), dbSNP rs142580891, ClinGen allele CA10648500.